The following is an entry in ClinVar:

NM_002609.4(PDGFRB):c.1520G>A (p.Arg507His)

Gene: PDGFRB (platelet derived growth factor receptor beta; minus strand). Cytogenetic location: 5q32.
Variant type: single nucleotide variant.
Coding change: c.1520G>A on transcript NM_002609.4 (MANE Select); coding-DNA position 1520, G replaced by A.
Protein change: p.Arg507His; replaces arginine 507 with histidine.
Molecular consequence: missense variant.
Genome position (GRCh38, 1-based): chr5:150,129,816, C>T on the plus strand (G>A on the coding strand, the complement: PDGFRB is on the minus strand). VCF-style: chr5-150129816-C-T. GRCh37 (hg19) VCF-style: chr5-149509379-C-T.
Other names: c.1328G>A, p.Arg443His (NM_001355016.2); c.1037G>A, p.Arg346His (NM_001355017.2); short protein forms R346H, R443H, R507H.
Identifiers: ClinVar variation 1282130 (VCV001282130.8), dbSNP rs145823245, ClinGen allele CA3507953.
Genomic context (GRCh38, chr5:150,129,816, plus strand): 5'-CAGTGTGGCACCACGATGACCTCCTGCGTGTCCTGGCCCACAGCGTTGCGCAGCGTGCAG[C>T]GCACCGACAGTGGCCGATCCACGTGCTGCAGACGCAGTGTGCTCACCACCTCAAACTCCT-3'
Protein context (NP_002600.1, residues 497-517): LQHVDRPLSV[Arg507His]CTLRNAVGQD

ClinVar aggregate classification (germline): Benign/Likely benign. Review status: criteria provided, multiple submitters, no conflicts (2 of 4 stars). 4 submissions from 4 submitters: Benign (1); Likely benign (3). Last evaluated 2025-10-13.

Conditions:
PDGFRB-related disorder. Also called: PDGFRB-related condition.
Acroosteolysis-keloid-like lesions-premature aging syndrome. Also called: Progeroid syndrome, Penttinen type; Premature aging syndrome, Penttinen type; Prematurely aged appearance, delayed bone maturation, acro-osteolysis, and brachydactyly. Identifiers: Orphanet 363665, MedGen C1866182, MONDO:0011150, OMIM 601812.
Basal ganglia calcification, idiopathic, 4 (PFBC4). Also called: PRIMARY FAMILIAL BRAIN CALCIFICATION 4, AUTOSOMAL DOMINANT; Familial Idiopathic Basal Ganglia Calcification 4. Identifiers: Orphanet 1980, MedGen C3554321, MONDO:0014004, OMIM 615007.
Infantile myofibromatosis (IMF). Also called: Congenital generalized fibromatosis. Identifiers: Orphanet 2591, MedGen C0432284, MONDO:0016824.
Skeletal overgrowth-craniofacial dysmorphism-hyperelastic skin-white matter lesions syndrome. Also called: SKELETAL OVERGROWTH WITH FACIAL DYSMORPHISM, HYPERELASTIC SKIN, WHITE MATTER LESIONS, AND NEUROLOGIC DETERIORATION; Kosaki overgrowth syndrome. Identifiers: Orphanet 477831, MedGen C4225270, MONDO:0014704, OMIM 616592.

Allele frequency attached by ClinVar (database versions not stated): ExAC 0.00034; 1000 Genomes Project 0.00040; 1000 Genomes Project 30x 0.00047; ESP Exome Variant Server 0.00015; gnomAD exomes 0.00029 and 0.00031; gnomAD 0.00011 and 0.00014; TOPMed 0.00009.
gnomAD v4.1: 444 of 1,614,030 alleles (0.028%); highest among the groups gnomAD compares: South Asian, 0.13%; 2 homozygotes.

Submissions (4):

Labcorp Genetics (formerly Invitae), Labcorp
Classification: Likely benign for Basal ganglia calcification, idiopathic, 4; Skeletal overgrowth-craniofacial dysmorphism-hyperelastic skin-white matter lesions syndrome; Infantile myofibromatosis; Acroosteolysis-keloid-like lesions-premature aging syndrome. Last evaluated: 2025-10-13. Review status: criteria provided, single submitter. Criteria: Invitae Variant Classification Sherloc (09022015). Collection method: clinical testing. Allele origin: germline.

PreventionGenetics, part of Exact Sciences
Classification: Likely benign for PDGFRB-related condition. Last evaluated: 2025-06-24. Review status: criteria provided, single submitter. Criteria: ACMG Guidelines, 2015. Collection method: clinical testing. Allele origin: germline.
Comment: This variant is classified as likely benign based on ACMG/AMP sequence variant interpretation guidelines (Richards et al. 2015 PMID: 25741868, with internal and published modifications).

Blueprint Genetics
Classification: Likely benign. Last evaluated: 2024-01-31. Review status: criteria provided, single submitter. Criteria: ACMG Guidelines, 2015. Collection method: clinical testing. Allele origin: germline.

GeneDx
Classification: Benign. Last evaluated: 2020-02-17. Review status: criteria provided, single submitter. Criteria: GeneDx Variant Classification Process June 2021. Collection method: clinical testing. Allele origin: germline. Affected: yes.